The following is an entry in ClinVar:

ClinVar aggregate classification (germline): Uncertain significance. Review status: criteria provided, multiple submitters, no conflicts (2 of 4 stars). 2 submissions from 2 submitters: Uncertain significance (2). Last evaluated 2026-05-28.

Conditions:
Inborn genetic diseases. Identifiers: MedGen C0950123, MeSH D030342.

gnomAD v4.1: 2 of 1,613,854 alleles (0.00012%); highest among the groups gnomAD compares: Non-Finnish European, 0.00017%; no homozygotes.

Submissions (2):

Ambry Genetics
Classification: Uncertain significance for Inborn genetic diseases. Last evaluated: 2026-05-28. Review status: criteria provided, single submitter. Criteria: Ambry Variant Classification Scheme 2023. Collection method: clinical testing. Allele origin: germline.
Comment: The p.I474V variant (also known as c.1420A>G), located in coding exon 10 of the CDH2 gene, results from an A to G substitution at nucleotide position 1420. The isoleucine at codon 474 is replaced by valine, an amino acid with highly similar properties. This amino acid position is conserved. In addition, the in silico prediction for this alteration is inconclusive. Based on the available evidence, the clinical significance of this variant remains unclear.

Labcorp Genetics (formerly Invitae), Labcorp
Classification: Uncertain significance. Last evaluated: 2026-01-10. Review status: criteria provided, single submitter. Criteria: Invitae Variant Classification Sherloc (09022015). Collection method: clinical testing. Allele origin: germline.
Comment: This sequence change replaces isoleucine, which is neutral and non-polar, with valine, which is neutral and non-polar, at codon 474 of the CDH2 protein (p.Ile474Val). This variant is not present in population databases (gnomAD no frequency). This variant has not been reported in the literature in individuals affected with CDH2-related conditions. An algorithm developed to predict the effect of missense changes on protein structure and function (PolyPhen-2) suggests that this variant is likely to be tolerated. In summary, the available evidence is currently insufficient to determine the role of this variant in disease. Therefore, it has been classified as a Variant of Uncertain Significance.

NM_001792.5(CDH2):c.1420A>G (p.Ile474Val)

Gene: CDH2 (cadherin 2; minus strand). Cytogenetic location: 18q12.1.
Variant type: single nucleotide variant.
Coding change: c.1420A>G on transcript NM_001792.5 (MANE Select); coding-DNA position 1420, A replaced by G.
Protein change: p.Ile474Val; replaces isoleucine 474 with valine.
Molecular consequence: missense variant.
Genome position (GRCh38, 1-based): chr18:27,990,275, T>C on the plus strand (A>G on the coding strand, the complement: CDH2 is on the minus strand). VCF-style: chr18-27990275-T-C. GRCh37 (hg19) VCF-style: chr18-25570239-T-C.
Other names: c.1420A>G (NM_001792.3); c.1327A>G, p.Ile443Val (NM_001308176.2); short protein forms I474V, I443V.
Identifiers: ClinVar variation 4776235 (VCV004776235.2).